The following is an entry in ClinVar:

ClinVar aggregate classification (germline): Uncertain significance (1 of 4 stars; one submission).

Allele frequency attached by ClinVar (database versions not stated): gnomAD exomes below 0.00001; ExAC 0.00001.

Submission:

Labcorp Genetics (formerly Invitae), Labcorp
Classification: Uncertain significance. Last evaluated: 2022-06-12. Review status: criteria provided, single submitter. Criteria: Invitae Variant Classification Sherloc (09022015). Collection method: clinical testing. Allele origin: germline.
Comment: This variant has not been reported in the literature in individuals affected with SEMA4A-related conditions. This variant is present in population databases (rs748947990, gnomAD 0.006%). This sequence change falls in intron 5 of the SEMA4A gene. It does not directly change the encoded amino acid sequence of the SEMA4A protein. Algorithms developed to predict the effect of sequence changes on RNA splicing suggest that this variant may create or strengthen a splice site. In summary, the available evidence is currently insufficient to determine the role of this variant in disease. Therefore, it has been classified as a Variant of Uncertain Significance.

NM_022367.4(SEMA4A):c.463-11del

Gene: SEMA4A (semaphorin 4A; plus strand). Cytogenetic location: 1q22.
Variant type: Deletion.
Coding change: c.463-11del on transcript NM_022367.4 (MANE Select); 11 bases into the intron before coding-DNA position 463, one base deleted (T; older notation c.463-11delT).
Molecular consequence: intron variant. On other transcripts: 5 prime UTR variant (2).
Genome position (GRCh38, 1-based): chr1:156,158,708, T deleted. VCF-style (leftmost placement, unchanged base first): chr1-156158707-CT-C. GRCh37 (hg19) VCF-style: chr1-156128498-CT-C.
Other names: c.-56del (NM_001370569.1, NM_001370571.1); c.463-11del (NM_001193300.2, NM_001193301.2, NM_001370567.1); c.166-11del (NM_001370568.1); c.67-11del (NM_001193302.2).
Identifiers: ClinVar variation 2079622 (VCV002079622.4), dbSNP rs748947990, ClinGen allele CA1155051.
Genomic context (GRCh38, chr1:156,158,707, plus strand): 5'-CTTCCTCAAGCCCCTCATTTCCCAGATGTGAGACCTTGGCGTTCTGGCCCCCCAGCCTCT[CT>C]CCCCATTTAGGAACTTCAAGATTCCTACCTGTTGCCCATCTCGGAGGACAAGGTCATGGA-3'